The following is an entry in ClinVar:

ClinVar aggregate classification (germline): Conflicting classifications of pathogenicity. Review status: criteria provided, conflicting classifications (1 of 4 stars). 5 submissions from 5 submitters: Likely pathogenic (1); Uncertain significance (4). Last evaluated 2026-04-28.

Conditions:
CDH23-related disorder. Also called: CDH23-related condition; CDH23-related disorders.
Usher syndrome type 1D (USH1D). Also called: USHER SYNDROME, TYPE ID. Identifiers: Orphanet 231169, Orphanet 886, MedGen C1832845, MONDO:0010984, OMIM 601067.

Allele frequency attached by ClinVar (database versions not stated): gnomAD exomes 0.00002 and 0.00001; TOPMed 0.00007; ExAC 0.00004; gnomAD 0.00009.
gnomAD v4.1: 26 of 1,559,080 alleles (0.0017%); highest among the groups gnomAD compares: African/African-American, 0.022%; no homozygotes.

Submissions (5):

Women's Health and Genetics/Laboratory Corporation of America, LabCorp
Classification: Uncertain significance. Last evaluated: 2026-04-28. Review status: criteria provided, single submitter. Criteria: LabCorp Variant Classification Summary - May 2015. Collection method: clinical testing. Allele origin: germline.
Comment: Variant summary: CDH23 c.4103C>T (p.Thr1368Met) results in a non-conservative amino acid change in the encoded protein sequence near a canonical splice site. Algorithms developed to predict the effect of missense changes on protein structure and function all suggest that this variant is likely to be disruptive. Consensus agreement among computation tools predict no significant impact on normal splicing. However, these predictions have yet to be confirmed by functional studies. The variant allele was found at a frequency of 1.8e-05 in 166150 control chromosomes. The available data on variant occurrences in the general population are insufficient to allow any conclusion about variant significance. c.4103C>T has been observed in an individual affected with non-syndromic hearing loss (Miyagawa_2012). These data do not allow any conclusion about variant significance. To our knowledge, no experimental evidence demonstrating an impact on protein function has been reported. The following publications have been ascertained in the context of this evaluation (PMID: 27792758, 22899989, 35020051). ClinVar contains an entry for this variant (Variation ID: 300429). Based on the evidence outlined above, the variant was classified as uncertain significance.

Blueprint Genetics
Classification: Likely pathogenic for CDH23-related disorders. Last evaluated: 2024-11-18. Review status: criteria provided, single submitter. Criteria: ACMG Guidelines, 2015. Collection method: clinical testing. Allele origin: germline. Affected: yes. Observed: 4 variant alleles.

PreventionGenetics, part of Exact Sciences
Classification: Uncertain significance for CDH23-related condition. Last evaluated: 2024-10-28. Review status: criteria provided, single submitter. Criteria: ACMG Guidelines, 2015. Collection method: clinical testing. Allele origin: germline.
Comment: The CDH23 c.4103C>T variant is predicted to result in the amino acid substitution p.Thr1368Met. This variant was reported in an individual with non-syndromic hearing loss (Miyagawa et al. 2012. PubMed ID: 22899989). This variant is reported in 0.034% of alleles in individuals of African descent in gnomAD and is interpreted as uncertain in ClinVar. At this time, the clinical significance of this variant is uncertain due to the absence of conclusive functional and genetic evidence.

Labcorp Genetics (formerly Invitae), Labcorp
Classification: Uncertain significance. Last evaluated: 2022-05-21. Review status: criteria provided, single submitter. Criteria: Invitae Variant Classification Sherloc (09022015). Collection method: clinical testing. Allele origin: germline.
Comment: This sequence change replaces threonine, which is neutral and polar, with methionine, which is neutral and non-polar, at codon 1368 of the CDH23 protein (p.Thr1368Met). This variant is present in population databases (rs762247872, gnomAD 0.03%). This missense change has been observed in individual(s) with clinical features of CDH23-related conditions (PMID: 22899989). ClinVar contains an entry for this variant (Variation ID: 300429). Algorithms developed to predict the effect of missense changes on protein structure and function are either unavailable or do not agree on the potential impact of this missense change (SIFT: "Deleterious"; PolyPhen-2: "Not Available"; Align-GVGD: "Class C65"). Algorithms developed to predict the effect of sequence changes on RNA splicing suggest that this variant may disrupt the consensus splice site. In summary, the available evidence is currently insufficient to determine the role of this variant in disease. Therefore, it has been classified as a Variant of Uncertain Significance.

Illumina Laboratory Services, Illumina
Classification: Uncertain significance for Usher syndrome type 1D. Last evaluated: 2017-04-28. Review status: criteria provided, single submitter. Criteria: ICSL Variant Classification Criteria 13 December 2019. Collection method: clinical testing. Allele origin: germline.

Literature cited by the submitters: PubMed 27792758 (cited by Women's Health and Genetics/Laboratory Corporation of America, LabCorp); PubMed 22899989 (cited by Women's Health and Genetics/Laboratory Corporation of America, LabCorp and Labcorp Genetics (formerly Invitae), Labcorp); PubMed 35020051 (cited by Women's Health and Genetics/Laboratory Corporation of America, LabCorp).

NM_022124.6(CDH23):c.4103C>T (p.Thr1368Met)

Genes: C10orf105 (chromosome 10 open reading frame 105; minus strand), CDH23 (cadherin related 23; plus strand). Cytogenetic location: 10q22.1.
Variant type: single nucleotide variant.
Coding change: c.4103C>T on transcript NM_022124.6 (MANE Select); coding-DNA position 4103, C replaced by T.
Protein change: p.Thr1368Met; replaces threonine 1368 with methionine.
Molecular consequence: missense variant. On other transcripts: intron variant (1).
Genome position (GRCh38, 1-based): chr10:71,732,374, C>T. VCF-style: chr10-71732374-C-T. GRCh37 (hg19) VCF-style: chr10-73492131-C-T.
Other names: c.4103C>T, p.Thr1368Met (NM_001171930.2); c.-6+5354G>A (NM_001168390.2); short protein forms T1368M.
Identifiers: ClinVar variation 300429 (VCV000300429.13), dbSNP rs762247872, ClinGen allele CA5544905.